The following is an entry in ClinVar:

ClinVar aggregate classification (germline): Uncertain significance (1 of 4 stars; one submission).

Conditions:
Joubert syndrome. Also called: CEREBELLOPARENCHYMAL DISORDER IV; JOUBERT-BOLTSHAUSER SYNDROME; Familial aplasia of the vermis. Identifiers: Orphanet 475, MedGen C5979921, MONDO:0018772.
Meckel-Gruber syndrome. Also called: DYSENCEPHALIA SPLANCHNOCYSTICA; GRUBER SYNDROME; Dysencephalia splachnocystica. Identifiers: Orphanet 564, MedGen C0265215, MONDO:0018921.

Allele frequency attached by ClinVar (database versions not stated): gnomAD exomes below 0.00001; TOPMed below 0.00001; ExAC 0.00001.

Submission:

Labcorp Genetics (formerly Invitae), Labcorp
Classification: Uncertain significance for Joubert syndrome; Meckel-Gruber syndrome. Last evaluated: 2022-05-22. Review status: criteria provided, single submitter. Criteria: Invitae Variant Classification Sherloc (09022015). Collection method: clinical testing. Allele origin: germline.
Comment: In summary, the available evidence is currently insufficient to determine the role of this variant in disease. Therefore, it has been classified as a Variant of Uncertain Significance. Experimental studies and prediction algorithms are not available or were not evaluated, and the functional significance of this variant is currently unknown. This variant has not been reported in the literature in individuals affected with TCTN2-related conditions. This variant is present in population databases (rs772840076, gnomAD 0.003%). This variant, c.275_276insCAC, is a complex sequence change that results in the deletion of 1 and insertion of 2 amino acid(s) in the TCTN2 protein (p.Leu92delinsPheThr).

NM_024809.5(TCTN2):c.275_276insCAC (p.Leu92delinsPheThr)

Gene: TCTN2 (tectonic family member 2; plus strand). Cytogenetic location: 12q24.31.
Variant type: Insertion.
Coding change: c.275_276insCAC on transcript NM_024809.5 (MANE Select); coding-DNA positions 275 to 276, CAC inserted.
Protein change: p.Leu92delinsPheThr.
Molecular consequence: inframe indel.
Genome position: GRCh38 VCF-style: chr12-123673622-T-TCAC. GRCh37 (hg19) VCF-style: chr12-124158169-T-TCAC.
Other names: c.272_273insCAC, p.Leu91delinsPheThr (NM_001143850.3); c.275_276insCAC, p.Leu92delinsPheThr (NM_001410989.1).
Identifiers: ClinVar variation 1997991 (VCV001997991.4), dbSNP rs772840076, ClinGen allele CA6860857.